The following is an entry in ClinVar:

NM_178844.4(NLRC3):c.363C>T (p.Thr121=)

Gene: NLRC3 (NLR family CARD domain containing 3; minus strand). Cytogenetic location: 16p13.3.
Variant type: single nucleotide variant.
Coding change: c.363C>T on transcript NM_178844.4 (MANE Select); coding-DNA position 363, C replaced by T.
Protein change: p.Thr121=; no amino-acid change (threonine 121 retained).
Molecular consequence: synonymous variant. On other transcripts: non-coding transcript variant (1).
Genome position (GRCh38, 1-based): chr16:3,564,574, G>A on the plus strand (C>T on the coding strand, the complement: NLRC3 is on the minus strand). VCF-style: chr16-3564574-G-A. GRCh37 (hg19) VCF-style: chr16-3614575-G-A.
Identifiers: ClinVar variation 103375 (VCV000103375.2), dbSNP rs199475934, ClinGen allele CA230487.

ClinVar aggregate classification (germline): not provided (0 of 4 stars; one submission).

Allele frequency attached by ClinVar (database versions not stated): gnomAD 0.00009 and 0.00022; TOPMed 0.00015; 1000 Genomes Project 30x 0.00016; gnomAD exomes 0.00022 and 0.00036; ExAC 0.00038.
gnomAD v4.1: 356 of 1,611,556 alleles (0.022%); highest among the groups gnomAD compares: East Asian, 0.4%; no homozygotes.

Submission:

Human Evolutionary Genetics, Institut Pasteur
No classification provided. Review status: no classification provided. Collection method: not provided. Allele origin: germline.
ClinVar note: Converted during submission from untested to not provided.